The following is an entry in ClinVar:

NM_177438.3(DICER1):c.5023_5025delinsAG (p.Tyr1675fs)

Gene: DICER1 (dicer 1, ribonuclease III; minus strand). Cytogenetic location: 14q32.13.
Variant type: Indel.
Coding change: c.5023_5025delinsAG on transcript NM_177438.3 (MANE Select); coding-DNA positions 5023 to 5025, TAC replaced by AG.
Protein change: p.Tyr1675fs; shifts the reading frame from tyrosine 1675.
Molecular consequence: frameshift variant.
Genome position (GRCh38, 1-based): chr14:95,095,895-95,095,897, GTA replaced by CT on the plus strand (TAC replaced by AG on the coding strand, the reverse complement: DICER1 is on the minus strand). VCF-style: chr14-95095895-GTA-CT. GRCh37 (hg19) VCF-style: chr14-95562232-GTA-CT.
Other names: c.5023_5025delinsAG, p.Tyr1675fs (NM_001195573.1, NM_001271282.3, NM_001291628.2 and 1 more transcripts); short protein forms Y1675fs.
Identifiers: ClinVar variation 933123 (VCV000933123.3), dbSNP rs1890264859, ClinGen allele CA1139663695.
Genomic context (GRCh38, chr14:95,095,895, plus strand): 5'-ATTGTAGTGGTAGGAGGCATGTGTAAAAGCCTGGAGAAGGTAAGCCTTATTCTTGAATCT[GTA>CT]GTTGATTTTCTTTTCAAAATTTTCAAACCCCGATATAAGGTGATTCAGTGTTTTATCTGC-3'

ClinVar aggregate classification (germline): Pathogenic (1 of 4 stars; one submission).

Conditions:
DICER1-related tumor predisposition. Also called: DICER1-related pleuropulmonary blastoma cancer predisposition syndrome; DICER1 syndrome. Identifiers: Orphanet 284343, MedGen C3839822, MONDO:0100216.

Submission:

Foulkes Cancer Genetics LDI, Lady Davis Institute for Medical Research
Classification: Pathogenic for Pleuropulmonary blastoma. Last evaluated: 2019-07-01. Review status: criteria provided, single submitter. Criteria: ACMG Guidelines, 2015. Collection method: curation. Allele origin: germline. Affected: yes. Observed: 1 variant allele.
Comment: ACMG criteria met: PVS1, PM2, PP4

Literature cited by the submitters: PubMed 28862265.